The following is an entry in ClinVar:

NM_018006.5(TRMU):c.934T>A (p.Trp312Arg)

Gene: TRMU (tRNA mitochondrial 2-thiouridylase; plus strand). Cytogenetic location: 22q13.31.
Variant type: single nucleotide variant.
Coding change: c.934T>A on transcript NM_018006.5 (MANE Select); coding-DNA position 934, T replaced by A.
Protein change: p.Trp312Arg; replaces tryptophan 312 with arginine.
Molecular consequence: missense variant. On other transcripts: non-coding transcript variant (2).
Genome position (GRCh38, 1-based): chr22:46,355,504, T>A. VCF-style: chr22-46355504-T-A. GRCh37 (hg19) VCF-style: chr22-46751401-T-A.
Other names: c.592T>A, p.Trp198Arg (NM_001282782.2); c.514T>A, p.Trp172Arg (NM_001282783.2, NM_001282784.2); c.934T>A, p.Trp312Arg (NM_001282785.2); short protein forms W312R, W198R, W172R.
Identifiers: ClinVar variation 4983593 (VCV004983593.1).

ClinVar aggregate classification (germline): Uncertain significance (1 of 4 stars; one submission).

Conditions:
TRMU-related disorder. Also called: TRMU-related condition.

gnomAD v4.1: 9 of 1,613,068 alleles (0.00056%); highest among the groups gnomAD compares: Non-Finnish European, 0.00068%; no homozygotes.

Submission:

PreventionGenetics, part of Exact Sciences
Classification: Uncertain significance for TRMU-related condition. Last evaluated: 2026-04-14. Review status: criteria provided, single submitter. Criteria: ACMG Guidelines, 2015. Collection method: clinical testing. Allele origin: germline.
Comment: The TRMU c.934T>A variant is predicted to result in the amino acid substitution p.Trp312Arg. To our knowledge, this variant has not been reported in the literature. This variant is reported in 0.0065% of alleles in individuals of European (Non-Finnish) descent in gnomAD. At this time, the clinical significance of this variant is uncertain due to the absence of conclusive functional and genetic evidence.